The following is an entry in ClinVar:

NM_022552.5(DNMT3A):c.2173+3A>G

Gene: DNMT3A (DNA methyltransferase 3 alpha; minus strand). Cytogenetic location: 2p23.3.
Variant type: single nucleotide variant.
Coding change: c.2173+3A>G on transcript NM_022552.5 (MANE Select); 3 bases into the intron after coding-DNA position 2173, A replaced by G.
Molecular consequence: intron variant.
Genome position (GRCh38, 1-based): chr2:25,240,637, T>C on the plus strand (A>G on the coding strand, the complement: DNMT3A is on the minus strand). VCF-style: chr2-25240637-T-C. GRCh37 (hg19) VCF-style: chr2-25463506-T-C.
Other names: c.2173+3A>G (NM_175629.2); c.1606+3A>G (NM_153759.3); c.1717+3A>G (NM_001320893.1); c.1504+3A>G (NM_001375819.1).
Identifiers: ClinVar variation 4729586 (VCV004729586.1).

ClinVar aggregate classification (germline): Uncertain significance (1 of 4 stars; one submission).

Conditions:
Tatton-Brown-Rahman overgrowth syndrome. Also called: Tall stature-intellectual disability-facial dysmorphism syndrome; Tatton-Brown-Rahman syndrome. Identifiers: Orphanet 404443, MedGen C4014545, MONDO:0014382, OMIM 615879.

Submission:

Labcorp Genetics (formerly Invitae), Labcorp
Classification: Uncertain significance for Tatton-Brown-Rahman overgrowth syndrome. Last evaluated: 2025-10-21. Review status: criteria provided, single submitter. Criteria: Invitae Variant Classification Sherloc (09022015). Collection method: clinical testing. Allele origin: germline.
Comment: This sequence change falls in intron 18 of the DNMT3A gene. It does not directly change the encoded amino acid sequence of the DNMT3A protein. It affects a nucleotide within the consensus splice site. This variant is not present in population databases (gnomAD no frequency). This variant has not been reported in the literature in individuals affected with DNMT3A-related conditions. Variants that disrupt the consensus splice site are a relatively common cause of aberrant splicing (PMID: 17576681, 9536098). Algorithms developed to predict the effect of sequence changes on RNA splicing suggest that this variant is not likely to affect RNA splicing. In summary, the available evidence is currently insufficient to determine the role of this variant in disease. Therefore, it has been classified as a Variant of Uncertain Significance.

Literature cited by the submitters: PubMed 17576681; PubMed 9536098.